The following is an entry in ClinVar:

NM_001303256.3(MORC2):c.1925G>A (p.Arg642Gln)

Gene: MORC2 (MORC family CW-type zinc finger 2; minus strand). Cytogenetic location: 22q12.2.
Variant type: single nucleotide variant.
Coding change: c.1925G>A on transcript NM_001303256.3 (MANE Select); coding-DNA position 1925, G replaced by A.
Protein change: p.Arg642Gln; replaces arginine 642 with glutamine.
Molecular consequence: missense variant.
Genome position (GRCh38, 1-based): chr22:30,935,049, C>T on the plus strand (G>A on the coding strand, the complement: MORC2 is on the minus strand). VCF-style: chr22-30935049-C-T. GRCh37 (hg19) VCF-style: chr22-31331036-C-T.
Other names: c.1925G>A, p.Arg642Gln (NM_001303257.2); c.1739G>A, p.Arg580Gln (NM_014941.3); short protein forms R642Q, R580Q.
Identifiers: ClinVar variation 834161 (VCV000834161.12), dbSNP rs765892287, ClinGen allele CA10186803.
Genomic context (GRCh38, chr22:30,935,049, plus strand): 5'-GCCTCCTCCCGGGCTGCCAAAGCAGGGAGCTTTGGGGTACTGCTGATGACAGGAGCCTTT[C>T]GGGGCTGGCTGGCTGGTCTAGGAGTTGGCAAAGAAGGGGGTCTGCTGGGGGCGTTCCTGA-3'
Protein context (NP_001290185.1, residues 632-652): LPTPRPASQP[Arg642Gln]KAPVISSTPK

ClinVar aggregate classification (germline): Uncertain significance. Review status: criteria provided, multiple submitters, no conflicts (2 of 4 stars). 2 submissions from 2 submitters: Uncertain significance (2). Last evaluated 2023-12-23.

Conditions:
Inborn genetic diseases. Identifiers: MedGen C0950123, MeSH D030342.
Charcot-Marie-Tooth disease axonal type 2Z. Also called: CHARCOT-MARIE-TOOTH DISEASE, AXONAL, AUTOSOMAL DOMINANT, TYPE 2Z; CHARCOT-MARIE-TOOTH NEUROPATHY, TYPE 2Z. Identifiers: Orphanet 466768, MedGen C5569025, MONDO:0014736, OMIM 616688.

Allele frequency attached by ClinVar (database versions not stated): ExAC 0.00002; gnomAD exomes below 0.00001 and 0.00003; TOPMed below 0.00001; gnomAD 0.00001.
gnomAD v4.1: 51 of 1,613,720 alleles (0.0032%); highest among the groups gnomAD compares: Non-Finnish European, 0.0036%; no homozygotes.

Submissions (2):

Labcorp Genetics (formerly Invitae), Labcorp
Classification: Uncertain significance for Charcot-Marie-Tooth disease axonal type 2Z. Last evaluated: 2023-12-23. Review status: criteria provided, single submitter. Criteria: Invitae Variant Classification Sherloc (09022015). Collection method: clinical testing. Allele origin: germline.
Comment: This sequence change replaces arginine, which is basic and polar, with glutamine, which is neutral and polar, at codon 642 of the MORC2 protein (p.Arg642Gln). This variant is present in population databases (rs765892287, gnomAD 0.004%). This variant has not been reported in the literature in individuals affected with MORC2-related conditions. ClinVar contains an entry for this variant (Variation ID: 834161). Advanced modeling of protein sequence and biophysical properties (such as structural, functional, and spatial information, amino acid conservation, physicochemical variation, residue mobility, and thermodynamic stability) performed at Invitae indicates that this missense variant is not expected to disrupt MORC2 protein function with a negative predictive value of 95%. In summary, the available evidence is currently insufficient to determine the role of this variant in disease. Therefore, it has been classified as a Variant of Uncertain Significance.

Ambry Genetics
Classification: Uncertain significance for Inborn genetic diseases. Last evaluated: 2021-04-30. Review status: criteria provided, single submitter. Criteria: Ambry Variant Classification Scheme 2023. Collection method: clinical testing. Allele origin: germline.
Comment: The p.R642Q variant (also known as c.1925G>A), located in coding exon 19 of the MORC2 gene, results from a G to A substitution at nucleotide position 1925. The arginine at codon 642 is replaced by glutamine, an amino acid with highly similar properties. This amino acid position is not well conserved in available vertebrate species, and glutamine is the reference amino acid in other vertebrate species. In addition, this alteration is predicted to be tolerated by in silico analysis. Since supporting evidence is limited at this time, the clinical significance of this alteration remains unclear.